The following is an entry in ClinVar:

NM_032436.4(CHAMP1):c.1372A>T (p.Thr458Ser)

Gene: CHAMP1 (chromosome alignment maintaining phosphoprotein 1; plus strand). Cytogenetic location: 13q34.
Variant type: single nucleotide variant.
Coding change: c.1372A>T on transcript NM_032436.4 (MANE Select); coding-DNA position 1372, A replaced by T.
Protein change: p.Thr458Ser; replaces threonine 458 with serine.
Molecular consequence: missense variant.
Genome position (GRCh38, 1-based): chr13:114,325,214, A>T. VCF-style: chr13-114325214-A-T. GRCh37 (hg19) VCF-style: chr13-115090689-A-T.
Other names: c.1372A>T, p.Thr458Ser (NM_001164144.3, NM_001164145.3); short protein forms T458S.
Identifiers: ClinVar variation 1698129 (VCV001698129.2), dbSNP rs1566792195, ClinGen allele CA388848534.

ClinVar aggregate classification (germline): Uncertain significance (1 of 4 stars; one submission).

Submission:

GeneDx
Classification: Uncertain significance. Last evaluated: 2022-01-19. Review status: criteria provided, single submitter. Criteria: GeneDx Variant Classification Process June 2021. Collection method: clinical testing. Allele origin: germline. Affected: yes.
Comment: Not observed at significant frequency in large population cohorts (gnomAD); In silico analysis supports that this missense variant does not alter protein structure/function; Has not been previously published as pathogenic or benign to our knowledge